The following is an entry in ClinVar:

NM_002691.4(POLD1):c.275_276del (p.Glu92fs)

Gene: POLD1 (DNA polymerase delta 1, catalytic subunit; plus strand). Cytogenetic location: 19q13.33.
Variant type: Microsatellite.
Coding change: c.275_276del on transcript NM_002691.4 (MANE Select); coding-DNA positions 275 to 276, 2 bases deleted (AG; older notation c.275_276delAG).
Protein change: p.Glu92fs; shifts the reading frame from glutamic acid 92.
Molecular consequence: frameshift variant. On other transcripts: non-coding transcript variant (1).
Genome position (GRCh38, 1-based): chr19:50,399,443-50,399,444, AG deleted; deleting any 2 consecutive bases within chr19:50,399,441-50,399,444 gives the same sequence; the c. name uses the placement nearest the transcript's 3' end. VCF-style (leftmost placement, unchanged base first): chr19-50399440-CAG-C. GRCh37 (hg19) VCF-style: chr19-50902697-CAG-C.
Other names: c.275_276del, p.Glu92fs (NM_001256849.1, NM_001308632.1); short protein forms E92fs.
Identifiers: ClinVar variation 2771700 (VCV002771700.3), dbSNP rs2513937424, ClinGen allele CA2586568611.

ClinVar aggregate classification (germline): Uncertain significance (1 of 4 stars; one submission).

Conditions:
POLD1-related polyposis and colorectal cancer syndrome (CRCS10). Also called: Colorectal cancer 10; Colorectal cancer, susceptibility to, 10; COLORECTAL CANCER, SUSCEPTIBILITY TO, ON CHROMOSOME 19q. Identifiers: Orphanet 220460, MedGen C2675481, MONDO:0012953, OMIM 612591.

Submission:

Labcorp Genetics (formerly Invitae), Labcorp
Classification: Uncertain significance for POLD1-related polyposis and colorectal cancer syndrome. Last evaluated: 2024-10-20. Review status: criteria provided, single submitter. Criteria: Invitae Variant Classification Sherloc (09022015). Collection method: clinical testing. Allele origin: germline.
Comment: This sequence change creates a premature translational stop signal (p.Glu92Alafs*10) in the POLD1 gene. Missense variants that disrupt the 3'-5' exonuclease (proof-reading) activity of the POLD1 protein are associated with PPAP (polymerase proofreading–associated polyposis) (PMID: 23263490, 23447401). However, loss-of-function variants that result in an absent or severely disrupted POLD1 protein, and missense variants outside the exonuclease domain, are unlikely to be associated with PPAP. This variant is not present in population databases (gnomAD no frequency). This variant has not been reported in the literature in individuals affected with POLD1-related conditions. Experimental studies and prediction algorithms are not available or were not evaluated, and the functional significance of this variant is currently unknown. In summary, the available evidence is currently insufficient to determine the role of this variant in disease. Therefore, it has been classified as a Variant of Uncertain Significance.

Literature cited by the submitters: PubMed 23263490; PubMed 23447401.